The following is an entry in ClinVar:

NM_004006.3(DMD):c.5485C>G (p.Gln1829Glu)

Gene: DMD (dystrophin; minus strand). Cytogenetic location: Xp21.1.
Variant type: single nucleotide variant.
Coding change: c.5485C>G on transcript NM_004006.3 (MANE Select); coding-DNA position 5485, C replaced by G.
Protein change: p.Gln1829Glu; replaces glutamine 1829 with glutamic acid.
Molecular consequence: missense variant.
Genome position (GRCh38, 1-based): chrX:32,346,044, G>C on the plus strand (C>G on the coding strand, the complement: DMD is on the minus strand). VCF-style: chrX-32346044-G-C. GRCh37 (hg19) VCF-style: chrX-32364161-G-C.
Other names: c.5461C>G, p.Gln1821Glu (NM_000109.4); c.5473C>G, p.Gln1825Glu (NM_004009.3); c.5116C>G, p.Gln1706Glu (NM_004010.3); c.1462C>G, p.Gln488Glu (NM_004011.4); c.1453C>G, p.Gln485Glu (NM_004012.4); short protein forms Q1829E, Q1825E, Q1706E, Q1821E, Q485E, Q488E.
Identifiers: ClinVar variation 264026 (VCV000264026.49), dbSNP rs754765424, ClinGen allele CA10378672.
Genomic context (GRCh38, chrX:32,346,044, plus strand): 5'-TCTTTATTTCCTCTCGCTTTCTCTCATCTGTGATTCTTTGTTGTAAGTTGTCTCCTCTTT[G>C]CAACAATTCTTTTACAGTACCCTCATTGTCTTCATTCTGATCAAAAACAACAAGTACAGT-3'
Protein context (NP_003997.2, residues 1819-1839): DNEGTVKELL[Gln1829Glu]RGDNLQQRIT

ClinVar aggregate classification (germline): Conflicting classifications of pathogenicity. Review status: criteria provided, conflicting classifications (1 of 4 stars). 14 submissions from 14 submitters: Uncertain significance (1); Benign (6); Likely benign (6). 1 of the submissions does not count toward it. Last evaluated 2026-02-03.

Conditions:
Cardiomyopathy (CMYO). Also called: Cardiomyopathies. Identifiers: Orphanet 167848, MedGen C0878544, MONDO:0004994, HP:0001638. Inheritance: Various modes of inheritance.
Becker muscular dystrophy (BMD). Also called: MUSCULAR DYSTROPHY, PSEUDOHYPERTROPHIC PROGRESSIVE, BECKER TYPE; Becker Muscular Dystrophy (BMD). Identifiers: Orphanet 98895, MedGen C0917713, MONDO:0010311, OMIM 300376.
Duchenne muscular dystrophy (DMD). Also called: Duchenne Muscular Dystrophy (DMD); MUSCULAR DYSTROPHY, PSEUDOHYPERTROPHIC PROGRESSIVE, DUCHENNE TYPE. Identifiers: Orphanet 98896, MedGen C0013264, MONDO:0010679, OMIM 310200.
Dystrophin deficiency.
Cardiovascular phenotype. Identifiers: MedGen CN230736.
Long QT syndrome (LQTS). Identifiers: MedGen C0023976, MeSH D008133, MONDO:0002442. Disease mechanism: loss of function. Inheritance: Various modes of inheritance.
Dilated cardiomyopathy 3B (CMD3B). Also called: CMD3B: DMD-Related Dilated Cardiomyopathy; CARDIOMYOPATHY, DILATED, X-LINKED; DMD-Associated Dilated Cardiomyopathy. Identifiers: Orphanet 154, MedGen C3668940, MONDO:0010542, OMIM 302045.

Allele frequency attached by ClinVar (database versions not stated): gnomAD exomes 0.00016 and 0.00072; gnomAD 0.00018 and 0.00022; TOPMed 0.00045; ExAC 0.00064; 1000 Genomes Project 0.00106; 1000 Genomes Project 30x 0.00125.
gnomAD v4.1: 225 of 1,206,720 alleles (0.019%); highest among the groups gnomAD compares: East Asian, 0.56%; no homozygotes.

Submissions (14):

Labcorp Genetics (formerly Invitae), Labcorp
Classification: Benign for Duchenne muscular dystrophy. Last evaluated: 2026-02-03. Review status: criteria provided, single submitter. Criteria: Invitae Variant Classification Sherloc (09022015). Collection method: clinical testing. Allele origin: germline.

CeGaT Center for Human Genetics Tuebingen
Classification: Likely benign. Last evaluated: 2026-02-01. Review status: criteria provided, single submitter. Criteria: CeGaT Center For Human Genetics Tuebingen Variant Classification Criteria Version 2. Collection method: clinical testing. Allele origin: germline. Affected: yes. Observed: 1 variant allele.
Comment: DMD: BS2

Mayo Clinic Laboratories, Mayo Clinic
Classification: Benign. Last evaluated: 2025-06-19. Review status: criteria provided, single submitter. Criteria: ACMG Guidelines, 2015. Collection method: clinical testing. Allele origin: germline. Observed: 1 variant allele.
Comment: BS1, BS2, BP4_moderate

Blueprint Genetics
Classification: Likely benign. Last evaluated: 2024-09-06. Review status: criteria provided, single submitter. Criteria: ACMG Guidelines, 2015. Collection method: clinical testing. Allele origin: germline.

Women's Health and Genetics/Laboratory Corporation of America, LabCorp
Classification: Benign. Last evaluated: 2021-03-21. Review status: criteria provided, single submitter. Criteria: LabCorp Variant Classification Summary - May 2015. Collection method: clinical testing. Allele origin: germline.
Comment: Variant summary: DMD c.5485C>G (p.Gln1829Glu) results in a conservative amino acid change in the encoded protein sequence. Four of five in-silico tools predict a benign effect of the variant on protein function. The variant allele was found at a frequency of 0.00072 in 182437 control chromosomes. The observed variant frequency is approximately 65 fold of the estimated maximal expected allele frequency for a pathogenic variant in DMD causing Dystrophinopathies phenotype (1.1e-05), strongly suggesting that the variant is benign. To our knowledge, no occurrence of c.5485C>G in individuals affected with Dystrophinopathies and no experimental evidence demonstrating its impact on protein function have been reported. Ten clinical diagnostic laboratories have submitted clinical-significance assessments for this variant to ClinVar after 2014 without evidence for independent evaluation (likely benign/benign, n=9; VUS, n=1). Based on the evidence outlined above, the variant was classified as benign.

ARUP Laboratories, Molecular Genetics and Genomics, ARUP Laboratories
Classification: Benign. Last evaluated: 2020-07-30. Review status: criteria provided, single submitter. Criteria: ARUP Molecular Germline Variant Investigation Process. Collection method: clinical testing. Allele origin: germline.

GeneDx
Classification: Likely benign. Last evaluated: 2019-12-26. Review status: criteria provided, single submitter. Criteria: GeneDx Variant Classification Process June 2021. Collection method: clinical testing. Allele origin: germline. Affected: yes.
Comment: This variant is associated with the following publications: (PMID: 18583217)

Ambry Genetics
Classification: Likely benign for Cardiovascular phenotype. Last evaluated: 2019-12-05. Review status: criteria provided, single submitter. Criteria: Ambry Variant Classification Scheme 2023. Collection method: clinical testing. Allele origin: germline.

Athena Diagnostics
Classification: Benign. Last evaluated: 2018-12-26. Review status: criteria provided, single submitter. Criteria: Athena Diagnostics Criteria. Collection method: clinical testing. Allele origin: germline.

Center for Advanced Laboratory Medicine, UC San Diego Health, University of California San Diego
Classification: Benign for Long QT Syndrome. Last evaluated: 2018-05-26. Review status: criteria provided, single submitter. Criteria: ACMG Guidelines, 2015. Collection method: clinical testing. Allele origin: germline. Affected: yes. Observed: 1 variant allele.

Illumina Laboratory Services, Illumina
Classification: Uncertain significance for Dilated cardiomyopathy 3B. Last evaluated: 2017-04-28. Review status: criteria provided, single submitter. Criteria: ICSL Variant Classification Criteria 13 December 2019. Collection method: clinical testing. Allele origin: germline.
Comment: This variant was observed as part of a predisposition screen in an ostensibly healthy population. A literature search was performed for the gene, cDNA change, and amino acid change (where applicable). Publications were found based on this search. However, the evidence from the literature, in combination with allele frequency data from public databases where available, was not sufficient to rule this variant in or out of causing disease. Therefore, this variant is classified as a variant of unknown significance.

Eurofins Ntd Llc (ga)
Classification: Likely benign. Last evaluated: 2016-12-19. Review status: criteria provided, single submitter. Criteria: EGL Classification Definitions 2015. Collection method: clinical testing. Allele origin: germline. Observed: 3 variant alleles, 2 heterozygotes, 1 hemizygote.

Laboratory for Molecular Medicine, Mass General Brigham Personalized Medicine
Classification: Likely benign. Last evaluated: 2016-04-14. Review status: criteria provided, single submitter. Criteria: LMM Criteria. Collection method: clinical testing. Allele origin: germline. Observed: 1 variant allele.
Comment: p.Gln1829Glu in exon 39 of DMD: This variant is not expected to have clinical si gnificance because it has been identified in 0.8% (53/6508) of East Asian chromo somes by the Exome Aggregation Consortium (ExAC; dbSNP rs754765424).

Natera, Inc.
Classification: Benign for Becker muscular dystrophy; Cardiomyopathy; Duchenne muscular dystrophy; Dystrophin deficiency. Last evaluated: 2019-08-02. Review status: no assertion criteria provided. Collection method: clinical testing. Allele origin: germline. Not counted in ClinVar's aggregate classification.

Literature cited by the submitters: PubMed 18583217 (cited by Women's Health and Genetics/Laboratory Corporation of America, LabCorp and Athena Diagnostics); PubMed 24690944 (cited by Illumina Laboratory Services, Illumina).